The following is an entry in ClinVar:

ClinVar aggregate classification (germline): Uncertain significance. Review status: criteria provided, multiple submitters, no conflicts (2 of 4 stars). 3 submissions from 3 submitters: Uncertain significance (3). Last evaluated 2025-05-07.

Conditions:
Mosaic variegated aneuploidy syndrome 1 (MVA1). Also called: Warburton-Anyane-Yeboa syndrome. Identifiers: Orphanet 1052, MedGen C1850343, MONDO:0009759, OMIM 257300.
Mosaic variegated aneuploidy syndrome. Also called: MVA SYNDROME. Identifiers: Orphanet 1052, MedGen C4551972, MONDO:0000141.
Inborn genetic diseases. Identifiers: MedGen C0950123, MeSH D030342.

Allele frequency attached by ClinVar (database versions not stated): TOPMed 0.00001.

Submissions (3):

Labcorp Genetics (formerly Invitae), Labcorp
Classification: Uncertain significance for Mosaic variegated aneuploidy syndrome 1. Last evaluated: 2025-05-07. Review status: criteria provided, single submitter. Criteria: Invitae Variant Classification Sherloc (09022015). Collection method: clinical testing. Allele origin: germline.
Comment: This sequence change replaces lysine, which is basic and polar, with arginine, which is basic and polar, at codon 233 of the BUB1B protein (p.Lys233Arg). This variant is present in population databases (no rsID available, gnomAD 0.007%). This variant has not been reported in the literature in individuals affected with BUB1B-related conditions. ClinVar contains an entry for this variant (Variation ID: 1172748). An algorithm developed to predict the effect of missense changes on protein structure and function outputs the following: PolyPhen-2: "Benign". The arginine amino acid residue is found in multiple mammalian species, which suggests that this missense change does not adversely affect protein function. In summary, the available evidence is currently insufficient to determine the role of this variant in disease. Therefore, it has been classified as a Variant of Uncertain Significance.

Ambry Genetics
Classification: Uncertain significance for Inborn genetic diseases. Last evaluated: 2024-01-27. Review status: criteria provided, single submitter. Criteria: Ambry Variant Classification Scheme 2023. Collection method: clinical testing. Allele origin: germline.
Comment: The p.K233R variant (also known as c.698A>G), located in coding exon 6 of the BUB1B gene, results from an A to G substitution at nucleotide position 698. The lysine at codon 233 is replaced by arginine, an amino acid with highly similar properties. This amino acid position is conserved. In addition, this alteration is predicted to be tolerated by in silico analysis. Since supporting evidence is limited at this time, the clinical significance of this alteration remains unclear.

St. Jude Molecular Pathology, St. Jude Children's Research Hospital
Classification: Uncertain significance for Mosaic variegated aneuploidy syndrome. Last evaluated: 2021-05-13. Review status: criteria provided, single submitter. Criteria: St. Jude Assertion Criteria 2020. Collection method: clinical testing. Allele origin: germline.
Comment: The BUB1B c.698A>G (p.Lys233Arg) missense change has a maximum subpopulation frequency of 0.0065% in gnomAD v2.1.1 (PM2_supporting). Seven of seven in silico tools predict a benign effect of this variant on protein function (BP4), but to our knowledge these predictions have not been confirmed by functional assays. To our knowledge, this variant has not been reported in individuals with mosaic variegated aneuploidy syndrome. In summary, this variant meets criteria to be classified as of uncertain significance based on the ACMG/AMP criteria: PM2_supporting, BP4.

NM_001211.6(BUB1B):c.698A>G (p.Lys233Arg)

Gene: BUB1B (BUB1 mitotic checkpoint serine/threonine kinase B; plus strand). Cytogenetic location: 15q15.1.
Variant type: single nucleotide variant.
Coding change: c.698A>G on transcript NM_001211.6 (MANE Select); coding-DNA position 698, A replaced by G.
Protein change: p.Lys233Arg; replaces lysine 233 with arginine.
Molecular consequence: missense variant.
Genome position (GRCh38, 1-based): chr15:40,183,830, A>G. VCF-style: chr15-40183830-A-G. GRCh37 (hg19) VCF-style: chr15-40476031-A-G.
Other names: short protein forms K233R.
Identifiers: ClinVar variation 1172748 (VCV001172748.7), dbSNP rs960109358, ClinGen allele CA268782676.
Genomic context (GRCh38, chr15:40,183,830, plus strand): 5'-AGGAGGAAGTTTTTGAGTCTTCTGTACCACAACGAAGCACACTAGCTGAACTAAAGAGCA[A>G]AGGGAAAAAGACAGCAAGAGCTCCAATCATCCGTGTAGGAGGTGCTCTCAAGGGTAAGTT-3'
Protein context (NP_001202.5, residues 223-243): QRSTLAELKS[Lys233Arg]GKKTARAPII